The following is an entry in ClinVar:

ClinVar aggregate classification (germline): Uncertain significance (1 of 4 stars; one submission).

gnomAD v4.1: 2 of 1,614,192 alleles (0.00012%); highest among the groups gnomAD compares: Non-Finnish European, 0.00017%; no homozygotes.

Submission:

Mayo Clinic Laboratories, Mayo Clinic
Classification: Uncertain significance. Last evaluated: 2025-09-10. Review status: criteria provided, single submitter. Criteria: ACMG Guidelines, 2015. Collection method: clinical testing. Allele origin: germline. Observed: 1 variant allele.
Comment: PM2_supporting

NM_033109.5(PNPT1):c.1950T>G (p.Phe650Leu)

Gene: PNPT1 (polyribonucleotide nucleotidyltransferase 1; minus strand). Cytogenetic location: 2p16.1.
Variant type: single nucleotide variant.
Coding change: c.1950T>G on transcript NM_033109.5 (MANE Select); coding-DNA position 1950, T replaced by G.
Protein change: p.Phe650Leu; replaces phenylalanine 650 with leucine.
Molecular consequence: missense variant.
Genome position (GRCh38, 1-based): chr2:55,643,382, A>C on the plus strand (T>G on the coding strand, the complement: PNPT1 is on the minus strand). VCF-style: chr2-55643382-A-C. GRCh37 (hg19) VCF-style: chr2-55870517-A-C.
Other names: p.Phe650Leu; short protein forms F650L.
Identifiers: ClinVar variation 4540649 (VCV004540649.1).